The following is an entry in ClinVar:

ClinVar aggregate classification (germline): Uncertain significance (1 of 4 stars; one submission).

Allele frequency attached by ClinVar (database versions not stated): TOPMed below 0.00001; ExAC 0.00001; gnomAD exomes 0.00001.
gnomAD v4.1: 16 of 1,613,716 alleles (0.00099%); highest among the groups gnomAD compares: Non-Finnish European, 0.0014%; no homozygotes.

Submission:

Labcorp Genetics (formerly Invitae), Labcorp
Classification: Uncertain significance. Last evaluated: 2022-12-02. Review status: criteria provided, single submitter. Criteria: Invitae Variant Classification Sherloc (09022015). Collection method: clinical testing. Allele origin: germline.
Comment: Algorithms developed to predict the effect of missense changes on protein structure and function are either unavailable or do not agree on the potential impact of this missense change (SIFT: "Tolerated"; PolyPhen-2: "Possibly Damaging"; Align-GVGD: "Class C0"). In summary, the available evidence is currently insufficient to determine the role of this variant in disease. Therefore, it has been classified as a Variant of Uncertain Significance. ClinVar contains an entry for this variant (Variation ID: 1431178). This variant has not been reported in the literature in individuals affected with MFAP5-related conditions. This variant is present in population databases (rs749565352, gnomAD 0.0009%). This sequence change replaces proline, which is neutral and non-polar, with leucine, which is neutral and non-polar, at codon 6 of the MFAP5 protein (p.Pro6Leu).

NM_003480.4(MFAP5):c.17C>T (p.Pro6Leu)

Gene: MFAP5 (microfibril associated protein 5; minus strand). Cytogenetic location: 12p13.31.
Variant type: single nucleotide variant.
Coding change: c.17C>T on transcript NM_003480.4 (MANE Select); coding-DNA position 17, C replaced by T.
Protein change: p.Pro6Leu; replaces proline 6 with leucine.
Molecular consequence: missense variant. On other transcripts: non-coding transcript variant (2).
Genome position (GRCh38, 1-based): chr12:8,662,088, G>A on the plus strand (C>T on the coding strand, the complement: MFAP5 is on the minus strand). VCF-style: chr12-8662088-G-A. GRCh37 (hg19) VCF-style: chr12-8814684-G-A.
Other names: c.17C>T, p.Pro6Leu (NM_001297709.2, NM_001297710.2, NM_001297711.2 and 1 more transcripts); short protein forms P6L.
Identifiers: ClinVar variation 1431178 (VCV001431178.6), dbSNP rs749565352, ClinGen allele CA6434810.